The following is an entry in ClinVar:

ClinVar aggregate classification (germline): Uncertain significance (1 of 4 stars; one submission).

Conditions:
Familial melanoma. Also called: Hereditary melanoma; Hereditary cutaneous melanoma. Identifiers: Orphanet 618, MedGen C1512419, MONDO:0018961.

Submission:

Labcorp Genetics (formerly Invitae), Labcorp
Classification: Uncertain significance for Familial melanoma. Last evaluated: 2025-12-21. Review status: criteria provided, single submitter. Criteria: Invitae Variant Classification Sherloc (09022015). Collection method: clinical testing. Allele origin: germline.
Comment: This sequence change replaces tyrosine, which is neutral and polar, with cysteine, which is neutral and slightly polar, at codon 6 of the CDK4 protein (p.Tyr6Cys). This variant is not present in population databases (gnomAD no frequency). This variant has not been reported in the literature in individuals affected with CDK4-related conditions. Invitae Evidence Modeling of protein sequence and biophysical properties (such as structural, functional, and spatial information, amino acid conservation, physicochemical variation, residue mobility, and thermodynamic stability) indicates that this missense variant is expected to disrupt CDK4 protein function with a positive predictive value of 95%. In summary, the available evidence is currently insufficient to determine the role of this variant in disease. Therefore, it has been classified as a Variant of Uncertain Significance.

NM_000075.4(CDK4):c.17A>G (p.Tyr6Cys)

Gene: CDK4 (cyclin dependent kinase 4; minus strand). Cytogenetic location: 12q14.1.
Variant type: single nucleotide variant.
Coding change: c.17A>G on transcript NM_000075.4 (MANE Select); coding-DNA position 17, A replaced by G.
Protein change: p.Tyr6Cys; replaces tyrosine 6 with cysteine.
Molecular consequence: missense variant.
Genome position (GRCh38, 1-based): chr12:57,751,701, T>C on the plus strand (A>G on the coding strand, the complement: CDK4 is on the minus strand). VCF-style: chr12-57751701-T-C. GRCh37 (hg19) VCF-style: chr12-58145484-T-C.
Other names: short protein forms Y6C.
Identifiers: ClinVar variation 4803063 (VCV004803063.1).
Genomic context (GRCh38, chr12:57,751,701, plus strand): 5'-GGATCACGGGCCTTGTACACTGTCCCATAGGCACCGACACCAATTTCAGCCACTGGCTCA[T>C]ATCGAGAGGTAGCCATTCTCAGATCAAGGGAGACCCTACAATCACAGACTCCTATCACCA-3'
Protein context (NP_000066.1, residues 1-16): MATSR[Tyr6Cys]EPVAEIGVGA